The following is an entry in ClinVar:

ClinVar aggregate classification (germline): Conflicting classifications of pathogenicity. Review status: criteria provided, conflicting classifications (1 of 4 stars). 4 submissions from 4 submitters: Uncertain significance (1); Benign (1); Likely benign (2). Last evaluated 2025-01-23.

Conditions:
Lynch syndrome. Identifiers: Orphanet 144, MedGen C4552100, MONDO:0005835. Disease mechanism: loss of function.
Hereditary cancer-predisposing syndrome. Also called: Neoplastic Syndromes, Hereditary; Hereditary neoplastic syndrome; Tumor predisposition; Hereditary Cancer Syndrome. Identifiers: Orphanet 140162, MedGen C0027672, MeSH D009386, MONDO:0015356.
Lynch syndrome 4 (LYNCH4). Also called: Hereditary non-polyposis colorectal cancer, type 4; Colorectal cancer, hereditary nonpolyposis, type 4. Identifiers: Orphanet 144, MedGen C1838333, MONDO:0013699, OMIM 614337. Disease mechanism: loss of function.

Allele frequency attached by ClinVar (database versions not stated): ExAC 0.00001.

Submissions (4):

Myriad Genetics, Inc.
Classification: Benign for Lynch syndrome 4. Last evaluated: 2025-01-23. Review status: criteria provided, single submitter. Criteria: Myriad Autosomal Dominant, Autosomal Recessive and X-Linked Classification Criteria (2023). Collection method: clinical testing. Allele origin: unknown.
Comment: This variant is considered benign. This variant is a silent/synonymous amino acid change and it is not expected to impact splicing.

Color Diagnostics, LLC DBA Color Health
Classification: Likely benign for Hereditary cancer-predisposing syndrome. Last evaluated: 2022-11-07. Review status: criteria provided, single submitter. Criteria: ACMG Guidelines, 2015. Collection method: clinical testing. Allele origin: germline.

University of Washington Department of Laboratory Medicine, University of Washington
Classification: Uncertain significance for Lynch syndrome. Last evaluated: 2018-05-01. Review status: criteria provided, single submitter. Criteria: Shirts BH et al. (Am J Hum Genet 2018). Collection method: clinical testing. Allele origin: somatic. Affected: yes.
Comment: PMS2 NM_000535.5:c.195T>C has a 14.1% probability of pathogenicity based on combining prior probability from public data with a likelihood ratio of 0.16 to 1, generated from evidence of seeing this as a somatic mutation in a tumor with loss of heterozygosity at the PMS2 locus. See Shirts et al 2018, PMID 29887214.

Ambry Genetics
Classification: Likely benign for Hereditary cancer-predisposing syndrome. Last evaluated: 2017-10-14. Review status: criteria provided, single submitter. Criteria: Ambry Variant Classification Scheme 2023. Collection method: clinical testing. Allele origin: germline.

NM_000535.7(PMS2):c.195T>C (p.Leu65=)

Gene: PMS2 (PMS1 homolog 2, mismatch repair system component; minus strand). Cytogenetic location: 7p22.1.
Variant type: single nucleotide variant.
Coding change: c.195T>C on transcript NM_000535.7 (MANE Select); coding-DNA position 195, T replaced by C.
Protein change: p.Leu65=; no amino-acid change (leucine 65 retained).
Molecular consequence: synonymous variant. On other transcripts: 5 prime UTR variant (11), non-coding transcript variant (1).
Genome position (GRCh38, 1-based): chr7:6,004,027, A>G on the plus strand (T>C on the coding strand, the complement: PMS2 is on the minus strand). VCF-style: chr7-6004027-A-G. GRCh37 (hg19) VCF-style: chr7-6043658-A-G.
Other names: c.-211T>C (NM_001322003.2, NM_001322004.2, NM_001322005.2 and 3 more transcripts); c.195T>C, p.Leu65= (NM_001322006.2, NM_001322014.2); c.-21T>C (NM_001322007.2, NM_001322008.2); c.-690T>C (NM_001322011.2, NM_001322012.2); c.-290T>C (NM_001322015.2).
Identifiers: ClinVar variation 619550 (VCV000619550.8), dbSNP rs780080040, ClinGen allele CA045985.
Genomic context (GRCh38, chr7:6,004,027, plus strand): 5'-CTTACTTAAGCCTTCGAAGTTTTCTTCTTCTACCCCACATCCATTGTCTGAAACTTCAAT[A>G]AGATCCACTCCATAGTCCTTAAGCTTTAGATCTAGAAAGTTTAAAATATTTACATATTTA-3'
Protein context (NP_000526.2, residues 55-75): DLKLKDYGVD[Leu65=]IEVSDNGCGV